The following is an entry in ClinVar:

NM_002857.4(PEX19):c.845C>T (p.Ala282Val)

Gene: PEX19 (peroxisomal biogenesis factor 19; minus strand). Cytogenetic location: 1q23.2.
Variant type: single nucleotide variant.
Coding change: c.845C>T on transcript NM_002857.4 (MANE Select); coding-DNA position 845, C replaced by T.
Protein change: p.Ala282Val; replaces alanine 282 with valine.
Molecular consequence: missense variant. On other transcripts: non-coding transcript variant (2), intron variant (1).
Genome position (GRCh38, 1-based): chr1:160,279,606, G>A on the plus strand (C>T on the coding strand, the complement: PEX19 is on the minus strand). VCF-style: chr1-160279606-G-A. GRCh37 (hg19) VCF-style: chr1-160249396-G-A.
Other names: c.845C>T (NM_002857.3); c.817-24C>T (NM_001193644.1); short protein forms A282V.
Identifiers: ClinVar variation 501136 (VCV000501136.10), dbSNP rs373092548, ClinGen allele CA1197202.

ClinVar aggregate classification (germline): Uncertain significance. Review status: criteria provided, multiple submitters, no conflicts (2 of 4 stars). 4 submissions from 4 submitters: Uncertain significance (4). Last evaluated 2025-03-26.

Conditions:
PEX19-related disorder. Also called: PEX19-related condition.
Inborn genetic diseases. Identifiers: MedGen C0950123, MeSH D030342.
Peroxisome biogenesis disorder 12A (Zellweger). Also called: Peroxisome biogenesis disorder 12A. Identifiers: Orphanet 912, MedGen C3554002, MONDO:0013951, OMIM 614886.

Allele frequency attached by ClinVar (database versions not stated): gnomAD exomes below 0.00001 and 0.00003; ExAC 0.00003; TOPMed 0.00007; ESP Exome Variant Server 0.00008; gnomAD 0.00009 and 0.00010.
gnomAD v4.1: 22 of 1,614,028 alleles (0.0014%); highest among the groups gnomAD compares: African/African-American, 0.025%; no homozygotes.

Submissions (4):

PreventionGenetics, part of Exact Sciences
Classification: Uncertain significance for PEX19-related condition. Last evaluated: 2025-03-26. Review status: criteria provided, single submitter. Criteria: ACMG Guidelines, 2015. Collection method: clinical testing. Allele origin: germline.
Comment: The PEX19 c.845C>T variant is predicted to result in the amino acid substitution p.Ala282Val. To our knowledge, this variant has not been reported in the literature. This variant is reported in 0.044% of alleles in individuals of African descent in gnomAD. At this time, the clinical significance of this variant is uncertain due to the absence of conclusive functional and genetic evidence.

Ambry Genetics
Classification: Uncertain significance for Inborn genetic diseases. Last evaluated: 2025-01-01. Review status: criteria provided, single submitter. Criteria: Ambry Variant Classification Scheme 2023. Collection method: clinical testing. Allele origin: germline.

Labcorp Genetics (formerly Invitae), Labcorp
Classification: Uncertain significance for Peroxisome biogenesis disorder 12A (Zellweger). Last evaluated: 2022-08-21. Review status: criteria provided, single submitter. Criteria: Invitae Variant Classification Sherloc (09022015). Collection method: clinical testing. Allele origin: germline.
Comment: This sequence change replaces alanine, which is neutral and non-polar, with valine, which is neutral and non-polar, at codon 282 of the PEX19 protein (p.Ala282Val). This variant is present in population databases (rs373092548, gnomAD 0.05%). This variant has not been reported in the literature in individuals affected with PEX19-related conditions. ClinVar contains an entry for this variant (Variation ID: 501136). Algorithms developed to predict the effect of missense changes on protein structure and function (SIFT, PolyPhen-2, Align-GVGD) all suggest that this variant is likely to be tolerated. In summary, the available evidence is currently insufficient to determine the role of this variant in disease. Therefore, it has been classified as a Variant of Uncertain Significance.

Eurofins Ntd Llc (ga)
Classification: Uncertain significance. Last evaluated: 2017-03-27. Review status: criteria provided, single submitter. Criteria: EGL Classification Definitions 2015. Collection method: clinical testing. Allele origin: germline. Observed: 1 variant allele, 1 heterozygote.